The following is an entry in ClinVar:

ClinVar aggregate classification (germline): Likely pathogenic (1 of 4 stars; one submission).

Conditions:
Hereditary factor VIII deficiency disease (HEMA). Also called: AUTOSOMAL HEMOPHILIA A; Hemophilia A, congenital; HEM A; Factor 8 deficiency, congenital; HEMOPHILIA, CLASSIC; Hemophilia A. Identifiers: Orphanet 98878, MedGen C0019069, MONDO:0010602, OMIM 306700.

Submission:

ARUP Laboratories, Molecular Genetics and Genomics, ARUP Laboratories
Classification: Likely pathogenic for Hereditary factor VIII deficiency disease. Last evaluated: 2020-07-29. Review status: criteria provided, single submitter. Criteria: ARUP Molecular Germline Variant Investigation Process. Collection method: clinical testing. Allele origin: germline.
Comment: The F8 c.403G>T; p.Asp135Tyr variant, also known as Asp116Tyr, is reported in the literature in multiple individuals affected with severe hemophilia A (Leuer 2001, Markoff 2009, Repesse 2007, Santacroce 2008). This variant is absent from general population databases (Exome Variant Server, Genome Aggregation Database), indicating it is not a common polymorphism. The aspartic acid at codon 135 is highly conserved, and computational analyses (SIFT, PolyPhen-2) predict that this variant is deleterious. Additionally, other amino acid substitutions at this codon (Gly, Glu, Asn) have been reported in individuals with severe hemophilia A (Lin 2008, Markoff 2009). Based on available information, the p.Asp135Tyr variant is considered to be likely pathogenic. References: Leuer M et al. Somatic mosaicism in hemophilia A: a fairly common event. Am J Hum Genet. 2001;69(1):75-87. Lin SY et al. Mutation spectrum of 122 hemophilia A families from Taiwanese population by LD-PCR, DHPLC, multiplex PCR and evaluating the clinical application of HRM. BMC Med Genet. 2008;9:53. Markoff A et al. Combined homology modelling and evolutionary significance evaluation of missense mutations in blood clotting factor VIII to highlight aspects of structure and function. Haemophilia. 2009;15(4):932-941. Repesse Y et al. Factor VIII (FVIII) gene mutations in 120 patients with hemophilia A: detection of 26 novel mutations and correlation with FVIII inhibitor development. J Thromb Haemost. 2007;5(7):1469-1476. Santacroce R et al. Identification of 217 unreported mutations in the F8 gene in a group of 1,410 unselected Italian patients with hemophilia A. J Hum Genet. 2008;53(3):275-284.

NM_000132.4(F8):c.403G>T (p.Asp135Tyr)

Gene: F8 (coagulation factor VIII; minus strand). Cytogenetic location: Xq28.
Variant type: single nucleotide variant.
Coding change: c.403G>T on transcript NM_000132.4 (MANE Select); coding-DNA position 403, G replaced by T.
Protein change: p.Asp135Tyr; replaces aspartic acid 135 with tyrosine.
Molecular consequence: missense variant.
Genome position (GRCh38, 1-based): chrX:154,993,134, C>A on the plus strand (G>T on the coding strand, the complement: F8 is on the minus strand). VCF-style: chrX-154993134-C-A. GRCh37 (hg19) VCF-style: chrX-154221409-C-A.
Other names: short protein forms D135Y.
Identifiers: ClinVar variation 993588 (VCV000993588.8), dbSNP rs2073597882, ClinGen allele CA414919808.